The following is an entry in ClinVar:

ClinVar aggregate classification (germline): Uncertain significance (1 of 4 stars; one submission).

Conditions:
Hereditary spastic paraplegia 4. Also called: Familial spastic paraplegia autosomal dominant 2; Spastic paraplegia 4, autosomal dominant; Spastic Paraplegia 4. Identifiers: Orphanet 100985, MedGen C1866855, MONDO:0008438, OMIM 182601.

Submission:

Labcorp Genetics (formerly Invitae), Labcorp
Classification: Uncertain significance for Hereditary spastic paraplegia 4. Last evaluated: 2024-02-17. Review status: criteria provided, single submitter. Criteria: Invitae Variant Classification Sherloc (09022015). Collection method: clinical testing. Allele origin: germline.
Comment: This sequence change replaces phenylalanine, which is neutral and non-polar, with tyrosine, which is neutral and polar, at codon 124 of the SPAST protein (p.Phe124Tyr). This variant is not present in population databases (gnomAD no frequency). This variant has not been reported in the literature in individuals affected with SPAST-related conditions. Advanced modeling of protein sequence and biophysical properties (such as structural, functional, and spatial information, amino acid conservation, physicochemical variation, residue mobility, and thermodynamic stability) has been performed at Invitae for this missense variant, however the output from this modeling did not meet the statistical confidence thresholds required to predict the impact of this variant on SPAST protein function. In summary, the available evidence is currently insufficient to determine the role of this variant in disease. Therefore, it has been classified as a Variant of Uncertain Significance.

NM_014946.4(SPAST):c.371T>A (p.Phe124Tyr)

Gene: SPAST (spastin; plus strand). Cytogenetic location: 2p22.3.
Variant type: single nucleotide variant.
Coding change: c.371T>A on transcript NM_014946.4 (MANE Select); coding-DNA position 371, T replaced by A.
Protein change: p.Phe124Tyr; replaces phenylalanine 124 with tyrosine.
Molecular consequence: missense variant.
Genome position (GRCh38, 1-based): chr2:32,064,202, T>A. VCF-style: chr2-32064202-T-A. GRCh37 (hg19) VCF-style: chr2-32289271-T-A.
Other names: c.371T>A, p.Phe124Tyr (NM_001363823.2, NM_001363875.2, NM_001377959.1 and 1 more transcripts); short protein forms F124Y.
Identifiers: ClinVar variation 3672016 (VCV003672016.2).